The following is an entry in ClinVar:

ClinVar aggregate classification (germline): Uncertain significance (1 of 4 stars; one submission).

Submission:

Labcorp Genetics (formerly Invitae), Labcorp
Classification: Uncertain significance. Last evaluated: 2024-12-09. Review status: criteria provided, single submitter. Criteria: Invitae Variant Classification Sherloc (09022015). Collection method: clinical testing. Allele origin: germline.
Comment: This sequence change replaces valine, which is neutral and non-polar, with leucine, which is neutral and non-polar, at codon 99 of the TPP1 protein (p.Val99Leu). This variant is not present in population databases (gnomAD no frequency). This variant has not been reported in the literature in individuals affected with TPP1-related conditions. ClinVar contains an entry for this variant (Variation ID: 656691). Invitae Evidence Modeling of protein sequence and biophysical properties (such as structural, functional, and spatial information, amino acid conservation, physicochemical variation, residue mobility, and thermodynamic stability) has been performed for this missense variant. However, the output from this modeling did not meet the statistical confidence thresholds required to predict the impact of this variant on TPP1 protein function. In summary, the available evidence is currently insufficient to determine the role of this variant in disease. Therefore, it has been classified as a Variant of Uncertain Significance.

NM_000391.4(TPP1):c.295G>C (p.Val99Leu)

Gene: TPP1 (tripeptidyl peptidase 1; minus strand). Cytogenetic location: 11p15.4.
Variant type: single nucleotide variant.
Coding change: c.295G>C on transcript NM_000391.4 (MANE Select); coding-DNA position 295, G replaced by C.
Protein change: p.Val99Leu; replaces valine 99 with leucine.
Molecular consequence: missense variant.
Genome position (GRCh38, 1-based): chr11:6,617,711, C>G on the plus strand (G>C on the coding strand, the complement: TPP1 is on the minus strand). VCF-style: chr11-6617711-C-G. GRCh37 (hg19) VCF-style: chr11-6638942-C-G.
Other names: short protein forms V99L.
Identifiers: ClinVar variation 656691 (VCV000656691.9), dbSNP rs756622036, ClinGen allele CA379476452.